The following is an entry in ClinVar:

ClinVar aggregate classification (germline): Uncertain significance (1 of 4 stars; one submission).

Conditions:
Progressive myoclonic epilepsy. Also called: Familial progressive myoclonic epilepsy; Progressive myoclonus epilepsy; Myoclonic Epilepsies, Progressive; Myoclonus epilepsy. Identifiers: Orphanet 308, Orphanet 98261, MedGen C0751778, MONDO:0020074.

Allele frequency attached by ClinVar (database versions not stated): gnomAD exomes below 0.00001.

Submission:

Labcorp Genetics (formerly Invitae), Labcorp
Classification: Uncertain significance for Progressive myoclonic epilepsy. Last evaluated: 2022-02-25. Review status: criteria provided, single submitter. Criteria: Invitae Variant Classification Sherloc (09022015). Collection method: clinical testing. Allele origin: germline.
Comment: This sequence change replaces proline, which is neutral and non-polar, with leucine, which is neutral and non-polar, at codon 42 of the EPM2A protein (p.Pro42Leu). This variant is not present in population databases (gnomAD no frequency). This variant has not been reported in the literature in individuals affected with EPM2A-related conditions. Algorithms developed to predict the effect of missense changes on protein structure and function are either unavailable or do not agree on the potential impact of this missense change (SIFT: "Deleterious"; PolyPhen-2: "Benign"; Align-GVGD: "Class C0"). In summary, the available evidence is currently insufficient to determine the role of this variant in disease. Therefore, it has been classified as a Variant of Uncertain Significance.

NM_005670.4(EPM2A):c.125C>T (p.Pro42Leu)

Genes: EPM2A (EPM2A glucan phosphatase, laforin; minus strand), EPM2A-DT (EPM2A divergent transcript; plus strand), LOC129997381 (ATAC-STARR-seq lymphoblastoid silent region 17642; plus strand). Cytogenetic location: 6q24.3.
Variant type: single nucleotide variant.
Coding change: c.125C>T on transcript NM_005670.4 (MANE Select); coding-DNA position 125, C replaced by T.
Protein change: p.Pro42Leu; replaces proline 42 with leucine.
Molecular consequence: missense variant. On other transcripts: 5 prime UTR variant (3), intron variant (1).
Genome position (GRCh38, 1-based): chr6:145,735,374, G>A on the plus strand (C>T on the coding strand, the complement: EPM2A is on the minus strand). VCF-style: chr6-145735374-G-A. GRCh37 (hg19) VCF-style: chr6-146056510-G-A.
Other names: c.125C>T, p.Pro42Leu (NM_001018041.2, NM_001360057.2, NM_001368130.1); c.-545C>T (NM_001360071.2); c.-499C>T (NM_001368129.2); c.-243C>T (NM_001368131.1); c.-114+534C>T (NM_001360064.2); short protein forms P42L.
Identifiers: ClinVar variation 1961770 (VCV001961770.5), dbSNP rs2534174400, ClinGen allele CA366188292.